The following is an entry in ClinVar:

ClinVar aggregate classification (germline): Uncertain significance (1 of 4 stars; one submission).

gnomAD v4.1: 25 of 632,146 alleles (0.004%); highest among the groups gnomAD compares: Non-Finnish European, 0.0067%; no homozygotes.

Submission:

CeGaT Center for Human Genetics Tuebingen
Classification: Uncertain significance. Last evaluated: 2024-06-01. Review status: criteria provided, single submitter. Criteria: CeGaT Center For Human Genetics Tuebingen Variant Classification Criteria Version 2. Collection method: clinical testing. Allele origin: germline. Affected: yes. Observed: 2 variant alleles.
Comment: FTL: PS4:Supporting

NM_000146.4(FTL):c.-184C>T

Gene: FTL (ferritin light chain; plus strand). Cytogenetic location: 19q13.33.
Variant type: single nucleotide variant.
Coding change: c.-184C>T on transcript NM_000146.4 (MANE Select); 184 bases upstream of the start codon, C replaced by T.
Molecular consequence: 5 prime UTR variant.
Genome position (GRCh38, 1-based): chr19:48,965,324, C>T. VCF-style: chr19-48965324-C-T. GRCh37 (hg19) VCF-style: chr19-49468581-C-T.
Identifiers: ClinVar variation 2650224 (VCV002650224.24), dbSNP rs955876864, ClinGen allele CA309374890.